The following is an entry in ClinVar:

NM_020964.3(EPG5):c.683C>A (p.Pro228Gln)

Gene: EPG5 (ectopic P-granules 5 autophagy tethering factor; minus strand). Cytogenetic location: 18q21.1.
Variant type: single nucleotide variant.
Coding change: c.683C>A on transcript NM_020964.3 (MANE Select); coding-DNA position 683, C replaced by A.
Protein change: p.Pro228Gln; replaces proline 228 with glutamine.
Molecular consequence: missense variant.
Genome position (GRCh38, 1-based): chr18:45,954,719, G>T on the plus strand (C>A on the coding strand, the complement: EPG5 is on the minus strand). VCF-style: chr18-45954719-G-T. GRCh37 (hg19) VCF-style: chr18-43534685-G-T.
Other names: c.683C>A, p.Pro228Gln (LRG_1234t1); short protein forms P228Q.
Identifiers: ClinVar variation 658898 (VCV000658898.9), dbSNP rs200151675, ClinGen allele CA8949908.

ClinVar aggregate classification (germline): Conflicting classifications of pathogenicity. Review status: criteria provided, conflicting classifications (1 of 4 stars). 3 submissions from 3 submitters: Uncertain significance (1); Likely benign (1). 1 of the submissions does not count toward it. Last evaluated 2025-12-28.

Conditions:
Vici syndrome (VICIS). Identifiers: Orphanet 1493, MedGen C1855772, MONDO:0009452, OMIM 242840.
EPG5-related disorder. Also called: EPG5-related condition. Identifiers: MedGen CN381528.
Inborn genetic diseases. Identifiers: MedGen C0950123, MeSH D030342.

Allele frequency attached by ClinVar (database versions not stated): gnomAD exomes 0.00003 and 0.00013; ExAC 0.00017; ESP Exome Variant Server 0.00023; gnomAD 0.00044 and 0.00050; TOPMed 0.00046.
gnomAD v4.1: 115 of 1,613,988 alleles (0.0071%); highest among the groups gnomAD compares: African/African-American, 0.14%; no homozygotes.

Submissions (3):

Labcorp Genetics (formerly Invitae), Labcorp
Classification: Uncertain significance for Vici syndrome. Last evaluated: 2025-12-28. Review status: criteria provided, single submitter. Criteria: Invitae Variant Classification Sherloc (09022015). Collection method: clinical testing. Allele origin: germline.
Comment: This sequence change replaces proline, which is neutral and non-polar, with glutamine, which is neutral and polar, at codon 228 of the EPG5 protein (p.Pro228Gln). This variant is present in population databases (rs200151675, gnomAD 0.2%). This variant has not been reported in the literature in individuals affected with EPG5-related conditions. ClinVar contains an entry for this variant (Variation ID: 658898). Invitae Evidence Modeling of protein sequence and biophysical properties (such as structural, functional, and spatial information, amino acid conservation, physicochemical variation, residue mobility, and thermodynamic stability) indicates that this missense variant is not expected to disrupt EPG5 protein function with a negative predictive value of 80%. In summary, the available evidence is currently insufficient to determine the role of this variant in disease. Therefore, it has been classified as a Variant of Uncertain Significance.

Ambry Genetics
Classification: Likely benign for Inborn genetic diseases. Last evaluated: 2023-03-24. Review status: criteria provided, single submitter. Criteria: Ambry Variant Classification Scheme 2023. Collection method: clinical testing. Allele origin: germline.

PreventionGenetics, part of Exact Sciences
Classification: Likely benign for EPG5-related condition. Last evaluated: 2022-11-01. Review status: no assertion criteria provided. Collection method: clinical testing. Allele origin: germline. Not counted in ClinVar's aggregate classification.
Comment: This variant is classified as likely benign based on ACMG/AMP sequence variant interpretation guidelines (Richards et al. 2015 PMID: 25741868, with internal and published modifications).